The following is an entry in ClinVar:

NM_004360.5(CDH1):c.2094A>C (p.Ala698=)

Gene: CDH1 (cadherin 1; plus strand). Cytogenetic location: 16q22.1.
Variant type: single nucleotide variant.
Coding change: c.2094A>C on transcript NM_004360.5 (MANE Select); coding-DNA position 2094, A replaced by C.
Protein change: p.Ala698=; no amino-acid change (alanine 698 retained).
Molecular consequence: synonymous variant.
Genome position (GRCh38, 1-based): chr16:68,823,556, A>C. VCF-style: chr16-68823556-A-C. GRCh37 (hg19) VCF-style: chr16-68857459-A-C.
Other names: c.1911A>C, p.Ala637= (NM_001317184.2); c.546A>C, p.Ala182= (NM_001317185.2); c.129A>C, p.Ala43= (NM_001317186.2).
Identifiers: ClinVar variation 4533073 (VCV004533073.1).

ClinVar aggregate classification (germline): Uncertain significance (1 of 4 stars; one submission).

Submission:

Quest Diagnostics Nichols Institute San Juan Capistrano
Classification: Uncertain significance. Last evaluated: 2025-04-11. Review status: criteria provided, single submitter. Criteria: Quest Diagnostics criteria. Collection method: clinical testing. Allele origin: unknown.
Comment: The CDH1 c.2094A>C (p.Ala698=) synonymous variant has not been reported in individuals with CDH1-related conditions in the published literature. It also has not been reported in large, multi-ethnic general populations (Genome Aggregation Database). Analysis of this variant using software algorithms for the prediction of the effect of nucleotide changes on splicing yielded predictions that this variant does not affect CDH1 mRNA splicing. Based on the available information, we are unable to determine the clinical significance of this variant.